The following is an entry in ClinVar:

NM_031407.7(HUWE1):c.12990G>C (p.Arg4330Ser)

Gene: HUWE1 (HECT, UBA and WWE domain containing E3 ubiquitin protein ligase 1; minus strand). Cytogenetic location: Xp11.22.
Variant type: single nucleotide variant.
Coding change: c.12990G>C on transcript NM_031407.7 (MANE Select); coding-DNA position 12990, G replaced by C.
Protein change: p.Arg4330Ser; replaces arginine 4330 with serine.
Molecular consequence: missense variant.
Genome position (GRCh38, 1-based): chrX:53,534,039, C>G on the plus strand (G>C on the coding strand, the complement: HUWE1 is on the minus strand). VCF-style: chrX-53534039-C-G. GRCh37 (hg19) VCF-style: chrX-53561000-C-G.
Other names: short protein forms R4330S.
Identifiers: ClinVar variation 383741 (VCV000383741.4), dbSNP rs1057521722, ClinGen allele CA16608949.
Genomic context (GRCh38, chrX:53,534,039, plus strand): 5'-AAAAGGAGAAACAAACCCTTCCTTTTACCATGTGTGAGCTGAAGGCAGGCGATCTGTGGA[C>G]CTGTCATCTCGATGGATCTGAAACTTCTGAATGCCATTCATGCCTTCGAGGGCAGCAAAG-3'
Protein context (NP_113584.3, residues 4320-4340): IQKFQIHRDD[Arg4330Ser]STDRLPSAHT

ClinVar aggregate classification (germline): Likely pathogenic (1 of 4 stars; one submission).

Submission:

GeneDx
Classification: Likely pathogenic. Last evaluated: 2019-06-04. Review status: criteria provided, single submitter. Criteria: GeneDx Variant Classification Process June 2021. Collection method: clinical testing. Allele origin: germline. Affected: yes.
Comment: Not observed in large population cohorts (Lek et al., 2016); In silico analysis, which includes protein predictors and evolutionary conservation, supports a deleterious effect; Has not been previously published as pathogenic or benign to our knowledge; This variant is associated with the following publications: (PMID: 30919572)